The following is an entry in ClinVar:

ClinVar aggregate classification (germline): Uncertain significance (1 of 4 stars; one submission).

Conditions:
Pitt-Hopkins-like syndrome 2 (PTHSL2). Identifiers: Orphanet 221150, Orphanet 600663, MedGen C3280479, MONDO:0013690, OMIM 614325.

Submission:

Labcorp Genetics (formerly Invitae), Labcorp
Classification: Uncertain significance for Pitt-Hopkins-like syndrome 2. Last evaluated: 2023-12-07. Review status: criteria provided, single submitter. Criteria: Invitae Variant Classification Sherloc (09022015). Collection method: clinical testing. Allele origin: germline.
Comment: This variant is a gross deletion of the genomic region encompassing exon(s) 5-6 of the NRXN1 gene. This variant would be expected to be in-frame, preserving the integrity of the reading frame. This variant has not been reported in the literature in individuals affected with NRXN1-related conditions. Experimental studies and prediction algorithms are not available or were not evaluated, and the functional significance of this variant is currently unknown. In summary, the available evidence is currently insufficient to determine the role of this variant in disease. Therefore, it has been classified as a Variant of Uncertain Significance.

NC_000002.11:g.(?_51148987)_(51149845_?)del

Gene: NRXN1 (neurexin 1; minus strand). Cytogenetic location: 2p16.3.
Variant type: Deletion.
Identifiers: ClinVar variation 2423808 (VCV002423808.4).